The following is an entry in ClinVar:

ClinVar aggregate classification (germline): Uncertain significance (1 of 4 stars; one submission).

Conditions:
Baller-Gerold syndrome (BGS). Also called: CRANIOSYNOSTOSIS WITH RADIAL DEFECTS. Identifiers: Orphanet 1225, MedGen C0265308, MONDO:0009039, OMIM 218600.

Allele frequency attached by ClinVar (database versions not stated): gnomAD exomes below 0.00001; gnomAD 0.00001.

Submission:

Labcorp Genetics (formerly Invitae), Labcorp
Classification: Uncertain significance for Baller-Gerold syndrome. Last evaluated: 2025-01-25. Review status: criteria provided, single submitter. Criteria: Invitae Variant Classification Sherloc (09022015). Collection method: clinical testing. Allele origin: germline.
Comment: This sequence change replaces arginine, which is basic and polar, with lysine, which is basic and polar, at codon 329 of the RECQL4 protein (p.Arg329Lys). This variant is not present in population databases (gnomAD no frequency). This variant has not been reported in the literature in individuals affected with RECQL4-related conditions. ClinVar contains an entry for this variant (Variation ID: 1011505). Invitae Evidence Modeling of protein sequence and biophysical properties (such as structural, functional, and spatial information, amino acid conservation, physicochemical variation, residue mobility, and thermodynamic stability) indicates that this missense variant is not expected to disrupt RECQL4 protein function with a negative predictive value of 80%. In summary, the available evidence is currently insufficient to determine the role of this variant in disease. Therefore, it has been classified as a Variant of Uncertain Significance.

NM_004260.4(RECQL4):c.986G>A (p.Arg329Lys)

Gene: RECQL4 (RecQ like helicase 4; minus strand). Cytogenetic location: 8q24.3.
Variant type: single nucleotide variant.
Coding change: c.986G>A on transcript NM_004260.4 (MANE Select); coding-DNA position 986, G replaced by A.
Protein change: p.Arg329Lys; replaces arginine 329 with lysine.
Molecular consequence: missense variant.
Genome position (GRCh38, 1-based): chr8:144,516,133, C>T on the plus strand (G>A on the coding strand, the complement: RECQL4 is on the minus strand). VCF-style: chr8-144516133-C-T. GRCh37 (hg19) VCF-style: chr8-145741517-C-T.
Other names: short protein forms R329K.
Identifiers: ClinVar variation 1011505 (VCV001011505.5), dbSNP rs1814915989, ClinGen allele CA372688427.